The following is an entry in ClinVar:

NM_006231.4(POLE):c.834G>T (p.Thr278=)

Gene: POLE (DNA polymerase epsilon, catalytic subunit; minus strand). Cytogenetic location: 12q24.33.
Variant type: single nucleotide variant.
Coding change: c.834G>T on transcript NM_006231.4 (MANE Select); coding-DNA position 834, G replaced by T.
Protein change: p.Thr278=; no amino-acid change (threonine 278 retained).
Molecular consequence: synonymous variant.
Genome position (GRCh38, 1-based): chr12:132,676,621, C>A on the plus strand (G>T on the coding strand, the complement: POLE is on the minus strand). VCF-style: chr12-132676621-C-A. GRCh37 (hg19) VCF-style: chr12-133253207-C-A.
Identifiers: ClinVar variation 3904517 (VCV003904517.1).

ClinVar aggregate classification (germline): Benign (1 of 4 stars; one submission).

Conditions:
Colorectal cancer, susceptibility to, 12 (CRCS12). Also called: COLORECTAL CANCER, SUSCEPTIBILITY TO, ON CHROMOSOME 12q24. Identifiers: Orphanet 220460, MedGen C3554460, MONDO:0014038, OMIM 615083.

Submission:

Myriad Genetics, Inc.
Classification: Benign for Colorectal cancer, susceptibility to, 12. Last evaluated: 2025-02-07. Review status: criteria provided, single submitter. Criteria: Myriad Autosomal Dominant, Autosomal Recessive and X-Linked Classification Criteria (2023). Collection method: clinical testing. Allele origin: unknown.
Comment: This variant is considered benign. This variant is a silent/synonymous amino acid change and it is not expected to impact splicing.